The following is an entry in ClinVar:

ClinVar aggregate classification (germline): Likely pathogenic (1 of 4 stars; one submission).

Conditions:
Arthrogryposis, renal dysfunction, and cholestasis 1 (ARCS1). Identifiers: Orphanet 2697, MedGen C1859722, MONDO:0008822, OMIM 208085.
Keratoderma-ichthyosis-deafness syndrome, autosomal recessive (KDIDAR). Identifiers: MedGen C5774200, MONDO:0859278, OMIM 620009.
Cholestasis, progressive familial intrahepatic, 12 (PFIC12). Also called: CHOLESTASIS, ISOLATED LOW-GGT. Identifiers: MedGen C5774311, MONDO:0031040, OMIM 620010.

gnomAD v4.1: 1 of 1,614,124 alleles (0.000062%); highest among the groups gnomAD compares: East Asian, 0.0022%; no homozygotes.

Submission:

Juno Genomics, Hangzhou Juno Genomics, Inc
Classification: Likely pathogenic for Arthrogryposis, renal dysfunction, and cholestasis 1; Cholestasis, progressive familial intrahepatic, 12; Keratoderma-ichthyosis-deafness syndrome, autosomal recessive. Review status: criteria provided, single submitter. Criteria: ACMG Guidelines, 2015. Collection method: clinical testing. Allele origin: germline.
Comment: Null variant in a gene where loss of function (LOF) is a known mechanism of disease.;Absent from controls (or at extremely low frequency if recessive) in Genome Aggregation Database.

NM_018668.5(VPS33B):c.1030+1G>T

Gene: VPS33B (VPS33B late endosome and lysosome associated; minus strand). Cytogenetic location: 15q26.1.
Variant type: single nucleotide variant.
Coding change: c.1030+1G>T on transcript NM_018668.5 (MANE Select); the canonical splice donor site of the intron after coding-DNA position 1030, G replaced by T.
Molecular consequence: splice donor variant.
Genome position (GRCh38, 1-based): chr15:91,005,693, C>A on the plus strand (G>T on the coding strand, the complement: VPS33B is on the minus strand). VCF-style: chr15-91005693-C-A. GRCh37 (hg19) VCF-style: chr15-91548923-C-A.
Other names: c.949+1G>T (NM_001289148.1); c.757+1G>T (NM_001289149.1).
Identifiers: ClinVar variation 375327 (VCV000375327.3), dbSNP rs774653538.